The following is an entry in ClinVar:

NM_000245.4(MET):c.1702-20G>A

Gene: MET (MET proto-oncogene, receptor tyrosine kinase; plus strand). Cytogenetic location: 7q31.2.
Variant type: single nucleotide variant.
Coding change: c.1702-20G>A on transcript NM_000245.4 (MANE Select); 20 bases into the intron before coding-DNA position 1702, G replaced by A.
Molecular consequence: intron variant.
Genome position (GRCh38, 1-based): chr7:116,755,335, G>A. VCF-style: chr7-116755335-G-A. GRCh37 (hg19) VCF-style: chr7-116395389-G-A.
Other names: c.1702-20G>A (NM_001127500.3, NM_001324401.3); c.412-20G>A (NM_001324402.2).
Identifiers: ClinVar variation 1617763 (VCV001617763.9), dbSNP rs201975734, ClinGen allele CA4448271.

ClinVar aggregate classification (germline): Likely benign. Review status: criteria provided, multiple submitters, no conflicts (2 of 4 stars). 2 submissions from 2 submitters: Likely benign (2). Last evaluated 2026-01-06.

Conditions:
Renal cell carcinoma. Identifiers: Orphanet 217071, MedGen C0007134, MeSH D002292, MONDO:0005086, HP:0005584.
Papillary renal cell carcinoma type 1 (RCCP1). Also called: Renal adenocarcinoma; Renal cell carcinoma 1; Renal cell carcinoma, somatic; RENAL CELL CARCINOMA, PAPILLARY, 1, SOMATIC. Identifiers: Orphanet 47044, MedGen C1336839, OMIM 605074, HP:0011797.

Allele frequency attached by ClinVar (database versions not stated): ExAC 0.00001; gnomAD exomes 0.00001; TOPMed 0.00001.
gnomAD v4.1: 4 of 1,613,580 alleles (0.00025%); highest among the groups gnomAD compares: Admixed American, 0.005%; no homozygotes.

Submissions (2):

Labcorp Genetics (formerly Invitae), Labcorp
Classification: Likely benign for Renal cell carcinoma. Last evaluated: 2026-01-06. Review status: criteria provided, single submitter. Criteria: Invitae Variant Classification Sherloc (09022015). Collection method: clinical testing. Allele origin: germline.

Myriad Genetics, Inc.
Classification: Likely benign for Papillary renal cell carcinoma type 1. Last evaluated: 2024-11-07. Review status: criteria provided, single submitter. Criteria: Myriad Autosomal Dominant, Autosomal Recessive and X-Linked Classification Criteria (2023). Collection method: clinical testing. Allele origin: unknown.
Comment: This variant is considered likely benign. This variant is intronic and is not expected to impact mRNA splicing.